The following is an entry in ClinVar:

NM_138295.5(PKD1L1):c.7386C>A (p.Ser2462Arg)

Genes: PKD1L1 (polycystin 1 like 1, transient receptor potential channel interacting; minus strand), PKD1L1-AS1 (PKD1L1 antisense RNA 1; plus strand). Cytogenetic location: 7p12.3.
Variant type: single nucleotide variant.
Coding change: c.7386C>A on transcript NM_138295.5 (MANE Select); coding-DNA position 7386, C replaced by A.
Protein change: p.Ser2462Arg; replaces serine 2462 with arginine.
Molecular consequence: missense variant.
Genome position (GRCh38, 1-based): chr7:47,812,012, G>T on the plus strand (C>A on the coding strand, the complement: PKD1L1 is on the minus strand). VCF-style: chr7-47812012-G-T. GRCh37 (hg19) VCF-style: chr7-47851610-G-T.
Other names: short protein forms S2462R.
Identifiers: ClinVar variation 1311846 (VCV001311846.2), dbSNP rs1394786447, ClinGen allele CA367471543.

ClinVar aggregate classification (germline): Uncertain significance (1 of 4 stars; one submission).

gnomAD v4.1: 4 of 1,581,628 alleles (0.00025%); highest among the groups gnomAD compares: Non-Finnish European, 0.00034%; no homozygotes.

Submission:

GeneDx
Classification: Uncertain significance. Last evaluated: 2020-01-23. Review status: criteria provided, single submitter. Criteria: GeneDx Variant Classification Process June 2021. Collection method: clinical testing. Allele origin: germline. Affected: yes.
Comment: Not observed at a significant frequency in large population cohorts (Lek et al., 2016); In silico analysis, which includes splice predictors and evolutionary conservation, supports that this variant does not alter protein structure/function; Has not been previously published as pathogenic or benign to our knowledge